The following is an entry in ClinVar:

ClinVar aggregate classification (germline): Uncertain significance (1 of 4 stars; one submission).

Conditions:
Hereditary cancer-predisposing syndrome. Also called: Neoplastic Syndromes, Hereditary; Tumor predisposition; Hereditary neoplastic syndrome; Hereditary Cancer Syndrome. Identifiers: Orphanet 140162, MedGen C0027672, MeSH D009386, MONDO:0015356.

Submission:

Ambry Genetics
Classification: Uncertain significance for Hereditary cancer-predisposing syndrome. Last evaluated: 2022-12-19. Review status: criteria provided, single submitter. Criteria: Ambry Variant Classification Scheme 2023. Collection method: clinical testing. Allele origin: germline.
Comment: The p.P1415T variant (also known as c.4243C>A), located in coding exon 23 of the PTCH1 gene, results from a C to A substitution at nucleotide position 4243. The proline at codon 1415 is replaced by threonine, an amino acid with highly similar properties. This amino acid position is conserved. In addition, this alteration is predicted to be deleterious by in silico analysis. Since supporting evidence is limited at this time, the clinical significance of this alteration remains unclear.

NM_000264.5(PTCH1):c.4243C>A (p.Pro1415Thr)

Gene: PTCH1 (patched 1; minus strand). Cytogenetic location: 9q22.32.
Variant type: single nucleotide variant.
Coding change: c.4243C>A on transcript NM_000264.5 (MANE Select); coding-DNA position 4243, C replaced by A.
Protein change: p.Pro1415Thr; replaces proline 1415 with threonine.
Molecular consequence: missense variant. On other transcripts: non-coding transcript variant (1).
Genome position (GRCh38, 1-based): chr9:95,447,013, G>T on the plus strand (C>A on the coding strand, the complement: PTCH1 is on the minus strand). VCF-style: chr9-95447013-G-T. GRCh37 (hg19) VCF-style: chr9-98209295-G-T.
Other names: c.3790C>A, p.Pro1264Thr (NM_001083606.3, NM_001083607.3, NM_001083604.3 and 1 more transcripts); c.4087C>A, p.Pro1363Thr (NM_001354918.2); c.4045C>A, p.Pro1349Thr (NM_001083602.3); c.4240C>A, p.Pro1414Thr (NM_001083603.3); short protein forms P1363T, P1415T, P1264T, P1349T, P1414T.
Identifiers: ClinVar variation 2452242 (VCV002452242.2), dbSNP rs1837967897, ClinGen allele CA374110044.